The following is an entry in ClinVar:

NM_005228.5(EGFR):c.1563G>C (p.Arg521Ser)

Gene: EGFR (epidermal growth factor receptor; plus strand). Cytogenetic location: 7p11.2.
Variant type: single nucleotide variant.
Coding change: c.1563G>C on transcript NM_005228.5 (MANE Select); coding-DNA position 1563, G replaced by C.
Protein change: p.Arg521Ser; replaces arginine 521 with serine.
Molecular consequence: missense variant.
Genome position (GRCh38, 1-based): chr7:55,161,563, G>C. VCF-style: chr7-55161563-G-C. GRCh37 (hg19) VCF-style: chr7-55229256-G-C.
Other names: c.1428G>C, p.Arg476Ser (NM_001346897.2, NM_001346899.2); c.1563G>C, p.Arg521Ser (NM_001346898.2, NM_201282.2, NM_201284.2); c.1404G>C, p.Arg468Ser (NM_001346900.2); c.762G>C, p.Arg254Ser (NM_001346941.2); short protein forms R254S, R476S, R521S, R468S.
Identifiers: ClinVar variation 4016700 (VCV004016700.1).

ClinVar aggregate classification (germline): Uncertain significance (1 of 4 stars; one submission).

Conditions:
Hereditary cancer-predisposing syndrome. Also called: Tumor predisposition; Hereditary neoplastic syndrome; Neoplastic Syndromes, Hereditary; Hereditary Cancer Syndrome. Identifiers: Orphanet 140162, MedGen C0027672, MeSH D009386, MONDO:0015356.

Submission:

Ambry Genetics
Classification: Uncertain significance for Hereditary cancer-predisposing syndrome. Last evaluated: 2025-03-24. Review status: criteria provided, single submitter. Criteria: Ambry Variant Classification Scheme 2023. Collection method: clinical testing. Allele origin: germline.
Comment: The p.R521S variant (also known as c.1563G>C), located in coding exon 13 of the EGFR gene, results from a G to C substitution at nucleotide position 1563. The arginine at codon 521 is replaced by serine, an amino acid with dissimilar properties. This amino acid position is conserved. In addition, this alteration is predicted to be tolerated by in silico analysis. Based on the available evidence, the clinical significance of this variant remains unclear.